The following is an entry in ClinVar:

NM_001184.4(ATR):c.3329C>T (p.Pro1110Leu)

Gene: ATR (ATR checkpoint kinase; minus strand). Cytogenetic location: 3q23.
Variant type: single nucleotide variant.
Coding change: c.3329C>T on transcript NM_001184.4 (MANE Select); coding-DNA position 3329, C replaced by T.
Protein change: p.Pro1110Leu; replaces proline 1110 with leucine.
Molecular consequence: missense variant.
Genome position (GRCh38, 1-based): chr3:142,547,753, G>A on the plus strand (C>T on the coding strand, the complement: ATR is on the minus strand). VCF-style: chr3-142547753-G-A. GRCh37 (hg19) VCF-style: chr3-142266595-G-A.
Other names: c.3137C>T, p.Pro1046Leu (NM_001354579.2); short protein forms P1110L, P1046L.
Identifiers: ClinVar variation 1730280 (VCV001730280.2), dbSNP rs746483302, ClinGen allele CA2650159.

ClinVar aggregate classification (germline): Uncertain significance (1 of 4 stars; one submission).

Conditions:
Inborn genetic diseases. Identifiers: MedGen C0950123, MeSH D030342.

gnomAD v4.1: 5 of 1,613,734 alleles (0.00031%); highest among the groups gnomAD compares: South Asian, 0.0022%; no homozygotes.

Submission:

Ambry Genetics
Classification: Uncertain significance for Inborn genetic diseases. Last evaluated: 2022-05-02. Review status: criteria provided, single submitter. Criteria: Ambry Variant Classification Scheme 2023. Collection method: clinical testing. Allele origin: germline.
Comment: The p.P1110L variant (also known as c.3329C>T), located in coding exon 16 of the ATR gene, results from a C to T substitution at nucleotide position 3329. The proline at codon 1110 is replaced by leucine, an amino acid with similar properties. This amino acid position is conserved. In addition, this alteration is predicted to be tolerated by in silico analysis. Since supporting evidence is limited at this time, the clinical significance of this alteration remains unclear.